The following is an entry in ClinVar:

ClinVar aggregate classification (germline): Uncertain significance (1 of 4 stars; one submission).

Conditions:
Juvenile onset Parkinson disease 19A. Also called: PARK19; DNAJC6 Parkinson Disease. Identifiers: Orphanet 391411, MedGen C3809811, MONDO:0014231, OMIM 615528.

Submission:

Labcorp Genetics (formerly Invitae), Labcorp
Classification: Uncertain significance for Juvenile onset Parkinson disease 19A. Last evaluated: 2021-11-29. Review status: criteria provided, single submitter. Criteria: Invitae Variant Classification Sherloc (09022015). Collection method: clinical testing. Allele origin: germline.
Comment: In summary, the available evidence is currently insufficient to determine the role of this variant in disease. Therefore, it has been classified as a Variant of Uncertain Significance. Algorithms developed to predict the effect of missense changes on protein structure and function are either unavailable or do not agree on the potential impact of this missense change (SIFT: "Deleterious"; PolyPhen-2: "Probably Damaging"; Align-GVGD: "Class C0"). This variant has not been reported in the literature in individuals affected with DNAJC6-related conditions. This variant is not present in population databases (gnomAD no frequency). This sequence change replaces proline, which is neutral and non-polar, with leucine, which is neutral and non-polar, at codon 280 of the DNAJC6 protein (p.Pro280Leu).

NM_001256864.2(DNAJC6):c.839C>T (p.Pro280Leu)

Gene: DNAJC6 (DnaJ heat shock protein family (Hsp40) member C6; plus strand). Cytogenetic location: 1p31.3.
Variant type: single nucleotide variant.
Coding change: c.839C>T on transcript NM_001256864.2 (MANE Select); coding-DNA position 839, C replaced by T.
Protein change: p.Pro280Leu; replaces proline 280 with leucine.
Molecular consequence: missense variant.
Genome position (GRCh38, 1-based): chr1:65,385,750, C>T. VCF-style: chr1-65385750-C-T. GRCh37 (hg19) VCF-style: chr1-65851433-C-T.
Other names: c.629C>T, p.Pro210Leu (NM_001256865.2); c.668C>T, p.Pro223Leu (NM_014787.4); short protein forms P223L, P210L, P280L.
Identifiers: ClinVar variation 1394692 (VCV001394692.6), dbSNP rs774319050, ClinGen allele CA340682656.